The following is an entry in ClinVar:

NM_000465.4(BARD1):c.745dup (p.Ile249fs)

Gene: BARD1 (BRCA1 associated RING domain 1; minus strand). Cytogenetic location: 2q35.
Variant type: Duplication.
Coding change: c.745dup on transcript NM_000465.4 (MANE Select); coding-DNA position 745, one base duplicated (A; older notation c.745dupA).
Protein change: p.Ile249fs; shifts the reading frame from isoleucine 249.
Molecular consequence: frameshift variant. On other transcripts: non-coding transcript variant (2), intron variant (3).
Genome position (GRCh38, 1-based): chr2:214,781,129, T duplicated on the plus strand (A on the coding strand, the reverse complement: BARD1 is on the minus strand). VCF-style (leftmost placement, unchanged base first): chr2-214781128-A-AT. GRCh37 (hg19) VCF-style: chr2-215645852-A-AT.
Other names: c.688dup, p.Ile230fs (NM_001282543.2); c.158+28283dup (NM_001282548.2); c.215+15932dup (NM_001282545.2); c.364+11168dup (NM_001282549.2); short protein forms I230fs, I249fs.
Identifiers: ClinVar variation 406757 (VCV000406757.7), dbSNP rs1553622487, ClinGen allele CA16610750.
Genomic context (GRCh38, chr2:214,781,128, plus strand): 5'-GATTCTGTCAAGGAGCCACTTGCTAGTAAGTCTATTTCACCATTTATCTGAGGACTGGAG[A>AT]TAACAGATGGTTGGCTACAGAAGGATACCAGCTTTTGCTTAGATTCCTCTTTGGAGTCAA-3'

ClinVar aggregate classification (germline): Pathogenic (1 of 4 stars; one submission).

Conditions:
Familial cancer of breast. Also called: BREAST CANCER, FAMILIAL; Hereditary breast cancer; hereditary breast carcinoma. Identifiers: Orphanet 227535, MedGen C0346153, MONDO:0016419, OMIM 114480. Disease mechanism: loss of function.

Submission:

Labcorp Genetics (formerly Invitae), Labcorp
Classification: Pathogenic for Familial cancer of breast. Last evaluated: 2026-01-25. Review status: criteria provided, single submitter. Criteria: Invitae Variant Classification Sherloc (09022015). Collection method: clinical testing. Allele origin: germline.
Comment: This sequence change creates a premature translational stop signal (p.Ile249Asnfs*9) in the BARD1 gene. It is expected to result in an absent or disrupted protein product. Loss-of-function variants in BARD1 are known to be pathogenic (PMID: 20077502, 21344236). This variant is not present in population databases (gnomAD no frequency). This variant has not been reported in the literature in individuals affected with BARD1-related conditions. ClinVar contains an entry for this variant (Variation ID: 406757). For these reasons, this variant has been classified as Pathogenic.

Literature cited by the submitters: PubMed 20077502; PubMed 21344236.